The following is an entry in ClinVar:

NM_002168.4(IDH2):c.582G>A (p.Met194Ile)

Gene: IDH2 (isocitrate dehydrogenase (NADP(+)) 2; minus strand). Cytogenetic location: 15q26.1.
Variant type: single nucleotide variant.
Coding change: c.582G>A on transcript NM_002168.4 (MANE Select); coding-DNA position 582, G replaced by A.
Protein change: p.Met194Ile; replaces methionine 194 with isoleucine.
Molecular consequence: missense variant.
Genome position (GRCh38, 1-based): chr15:90,088,455, C>T on the plus strand (G>A on the coding strand, the complement: IDH2 is on the minus strand). VCF-style: chr15-90088455-C-T. GRCh37 (hg19) VCF-style: chr15-90631687-C-T.
Other names: c.426G>A, p.Met142Ile (NM_001289910.1); c.192G>A, p.Met64Ile (NM_001290114.2); short protein forms M142I, M194I, M64I.
Identifiers: ClinVar variation 2112861 (VCV002112861.4), dbSNP rs2505791973, ClinGen allele CA393802080.

ClinVar aggregate classification (germline): Uncertain significance (1 of 4 stars; one submission).

Conditions:
D-2-hydroxyglutaric aciduria 2 (D2HGA2). Identifiers: Orphanet 79315, MedGen C3150909, MONDO:0013345, OMIM 613657.

Submission:

Labcorp Genetics (formerly Invitae), Labcorp
Classification: Uncertain significance for D-2-hydroxyglutaric aciduria 2. Last evaluated: 2022-05-15. Review status: criteria provided, single submitter. Criteria: Invitae Variant Classification Sherloc (09022015). Collection method: clinical testing. Allele origin: germline.
Comment: In summary, the available evidence is currently insufficient to determine the role of this variant in disease. Therefore, it has been classified as a Variant of Uncertain Significance. Algorithms developed to predict the effect of missense changes on protein structure and function output the following: SIFT: "Tolerated"; PolyPhen-2: "Benign"; Align-GVGD: "Class C0". The isoleucine amino acid residue is found in multiple mammalian species, which suggests that this missense change does not adversely affect protein function. This variant has not been reported in the literature in individuals affected with IDH2-related conditions. This variant is not present in population databases (gnomAD no frequency). This sequence change replaces methionine, which is neutral and non-polar, with isoleucine, which is neutral and non-polar, at codon 194 of the IDH2 protein (p.Met194Ile).